The following is an entry in ClinVar:

ClinVar aggregate classification (germline): Uncertain significance (1 of 4 stars; one submission).

Conditions:
Inborn genetic diseases. Identifiers: MedGen C0950123, MeSH D030342.

Allele frequency attached by ClinVar (database versions not stated): gnomAD exomes below 0.00001; ExAC 0.00002.
gnomAD v4.1: 4 of 1,614,200 alleles (0.00025%); highest among the groups gnomAD compares: Non-Finnish European, 0.00034%; no homozygotes.

Submission:

Ambry Genetics
Classification: Uncertain significance for Inborn genetic diseases. Last evaluated: 2022-05-21. Review status: criteria provided, single submitter. Criteria: Ambry Variant Classification Scheme 2023. Collection method: clinical testing. Allele origin: germline.
Comment: The p.I498M variant (also known as c.1494T>G), located in coding exon 11 of the EPAS1 gene, results from a T to G substitution at nucleotide position 1494. The isoleucine at codon 498 is replaced by methionine, an amino acid with highly similar properties. This amino acid position is conserved. In addition, this alteration is predicted to be tolerated by in silico analysis. Since supporting evidence is limited at this time, the clinical significance of this alteration remains unclear.

NM_001430.5(EPAS1):c.1494T>G (p.Ile498Met)

Gene: EPAS1 (endothelial PAS domain protein 1; plus strand). Cytogenetic location: 2p21.
Variant type: single nucleotide variant.
Coding change: c.1494T>G on transcript NM_001430.5 (MANE Select); coding-DNA position 1494, T replaced by G.
Protein change: p.Ile498Met; replaces isoleucine 498 with methionine.
Molecular consequence: missense variant.
Genome position (GRCh38, 1-based): chr2:46,378,707, T>G. VCF-style: chr2-46378707-T-G. GRCh37 (hg19) VCF-style: chr2-46605846-T-G.
Other names: short protein forms I498M.
Identifiers: ClinVar variation 1773863 (VCV001773863.2), dbSNP rs758037152, ClinGen allele CA1645013.